The following is an entry in ClinVar:

ClinVar aggregate classification (germline): Pathogenic (1 of 4 stars; one submission).

Conditions:
Marfan syndrome (MFS). Also called: MARFAN SYNDROME, TYPE I; Marfan syndrome type 1; Marfan's syndrome; Marfan syndrome, classic; FBN1-Related Marfan Syndrome. Identifiers: Orphanet 284963, Orphanet 558, MedGen C0024796, MONDO:0007947, OMIM 154700.
Familial thoracic aortic aneurysm and aortic dissection (TAAD). Also called: Thoracic aortic aneurysms and dissections. Identifiers: Orphanet 91387, MedGen C4707243, MONDO:0019625.

Submission:

Labcorp Genetics (formerly Invitae), Labcorp
Classification: Pathogenic for Marfan syndrome; Familial thoracic aortic aneurysm and aortic dissection. Last evaluated: 2021-12-24. Review status: criteria provided, single submitter. Criteria: Invitae Variant Classification Sherloc (09022015). Collection method: clinical testing. Allele origin: germline.
Comment: This sequence change replaces cysteine, which is neutral and slightly polar, with serine, which is neutral and polar, at codon 168 of the FBN1 protein (p.Cys168Ser). This variant disrupts the p.Cys168 amino acid residue in FBN1. Other variant(s) that disrupt this residue have been observed in individuals with FBN1-related conditions (PMID: 17679947, 22034023, 25907466, 31730815; Invitae), which suggests that this may be a clinically significant amino acid residue. For these reasons, this variant has been classified as Pathogenic. This variant affects a cysteine residue in the EGF-like, TGFBP or hybrid motif domains of FBN1. Cysteine residues are believed to be involved in intramolecular disulfide bridges and have been shown to be important for FBN1 protein structure (PMID: 16905551, 19349279). In addition, missense substitutions affecting cysteine residues within these domains are significantly overrepresented among patients with Marfan syndrome (PMID: 16571647, 17701892). Advanced modeling of protein sequence and biophysical properties (such as structural, functional, and spatial information, amino acid conservation, physicochemical variation, residue mobility, and thermodynamic stability) performed at Invitae indicates that this missense variant is expected to disrupt FBN1 protein function. This missense change has been observed in individual(s) with clinical features of Marfan syndrome (Invitae). This variant is not present in population databases (gnomAD no frequency).

Literature cited by the submitters: PubMed 17679947; PubMed 22034023; PubMed 25907466; PubMed 31730815; PubMed 16905551; PubMed 19349279; PubMed 16571647; PubMed 17701892.

NM_000138.5(FBN1):c.502T>A (p.Cys168Ser)

Gene: FBN1 (fibrillin 1; minus strand). Cytogenetic location: 15q21.1.
Variant type: single nucleotide variant.
Coding change: c.502T>A on transcript NM_000138.5 (MANE Select); coding-DNA position 502, T replaced by A.
Protein change: p.Cys168Ser; replaces cysteine 168 with serine.
Molecular consequence: missense variant.
Genome position (GRCh38, 1-based): chr15:48,596,319, A>T on the plus strand (T>A on the coding strand, the complement: FBN1 is on the minus strand). VCF-style: chr15-48596319-A-T. GRCh37 (hg19) VCF-style: chr15-48888516-A-T.
Other names: short protein forms C168S.
Identifiers: ClinVar variation 1452173 (VCV001452173.6), dbSNP rs2044515247, ClinGen allele CA392446300.
Genomic context (GRCh38, chr15:48,596,319, plus strand): 5'-GTAAATGATTTTAAAAACCATTACCTCTTTCACACTGGGGTCCAGTAAATCCGTAAGTGC[A>T]TGCACATCGATTTGGGGCCACACACCTTCCTCCATTGAGACAGCCACTTTCACAAACAGC-3'
Protein context (NP_000129.3, residues 158-178): GRCVAPNRCA[Cys168Ser]TYGFTGPQCE